The following is an entry in ClinVar:

ClinVar aggregate classification (germline): Uncertain significance (1 of 4 stars; one submission).

Conditions:
Early-infantile DEE. Also called: Early infantile epileptic encephalopathy with suppression bursts; Ohtahara syndrome; Early infantile epileptic encephalopathy. Identifiers: Orphanet 1934, MedGen C0393706, MONDO:0800491.

Submission:

Labcorp Genetics (formerly Invitae), Labcorp
Classification: Uncertain significance for Early-infantile DEE. Last evaluated: 2022-07-05. Review status: criteria provided, single submitter. Criteria: Invitae Variant Classification Sherloc (09022015). Collection method: clinical testing. Allele origin: germline.
Comment: In summary, the available evidence is currently insufficient to determine the role of this variant in disease. Therefore, it has been classified as a Variant of Uncertain Significance. Experimental studies and prediction algorithms are not available or were not evaluated, and the functional significance of this variant is currently unknown. This variant has not been reported in the literature in individuals affected with KCNH5-related conditions. This variant is not present in population databases (gnomAD no frequency). This variant, c.1406_1408del, results in the deletion of 1 amino acid(s) of the KCNH5 protein (p.Thr469del), but otherwise preserves the integrity of the reading frame.

NM_139318.5(KCNH5):c.1403CAA[1] (p.Thr469del)

Gene: KCNH5 (potassium voltage-gated channel subfamily H member 5; minus strand). Cytogenetic location: 14q23.2.
Variant type: Microsatellite.
Coding change: c.1403CAA[1] on transcript NM_139318.5 (MANE Select); one copy of the 3-base unit CAA starting at c.1403; the reference has two copies in a row; one copy, 3 bases deleted.
Protein change: p.Thr469del; deletes threonine 469.
Molecular consequence: inframe deletion.
Genome position (GRCh38, 1-based): chr14:62,849,814-62,849,816, TTG deleted on the plus strand (CAA on the coding strand, the reverse complement: KCNH5 is on the minus strand); deleting any 3 consecutive bases within chr14:62,849,814-62,849,820 gives the same sequence; the position shown is the placement nearest the transcript's 3' end. VCF-style (leftmost placement, unchanged base first): chr14-62849813-ATTG-A. GRCh37 (hg19) VCF-style: chr14-63316531-ATTG-A.
Other names: c.1403CAA[1], p.Thr469del (NM_172375.3); short protein forms T469del.
Identifiers: ClinVar variation 1358868 (VCV001358868.9), dbSNP rs2140045637, ClinGen allele CA2580612779.
Genomic context (GRCh38, chr14:62,849,813, plus strand): 5'-TCCCGTACATTATTCAGCATCTCATGGTATCGGTTGGTGTTGGCATACATTTGCTGGAAA[ATTG>A]TTGTAACATTTCCAAAAATAGTTGCATAAAGAAGAGCTGAAAGAGAAGAAATGATAAAAA-3'